The following is an entry in ClinVar:

NM_170754.4(TNS2):c.1423C>T (p.Arg475Trp)

Gene: TNS2 (tensin 2; plus strand). Cytogenetic location: 12q13.13.
Variant type: single nucleotide variant.
Coding change: c.1423C>T on transcript NM_170754.4 (MANE Select); coding-DNA position 1423, C replaced by T.
Protein change: p.Arg475Trp; replaces arginine 475 with tryptophan.
Molecular consequence: missense variant.
Genome position (GRCh38, 1-based): chr12:53,059,064, C>T. VCF-style: chr12-53059064-C-T. GRCh37 (hg19) VCF-style: chr12-53452848-C-T.
Other names: c.1423C>T, p.Arg475Trp (NM_001416202.1); c.1381C>T, p.Arg461Trp (NM_001416203.1); c.1450C>T, p.Arg484Trp (NM_001416204.1); c.1354C>T, p.Arg452Trp (NM_015319.3); c.1051C>T, p.Arg351Trp (NM_198316.2); short protein forms R351W, R475W, R485W, R452W, R461W, R484W.
Identifiers: ClinVar variation 2319163 (VCV002319163.8), dbSNP rs764727254, ClinGen allele CA6592363.

ClinVar aggregate classification (germline): Uncertain significance. Review status: criteria provided, multiple submitters, no conflicts (2 of 4 stars). 2 submissions from 2 submitters: Uncertain significance (2). Last evaluated 2022-10-25.

Allele frequency attached by ClinVar (database versions not stated): ExAC 0.00001; gnomAD exomes 0.00001; TOPMed 0.00002.
gnomAD v4.1: 13 of 1,538,228 alleles (0.00085%); highest among the groups gnomAD compares: South Asian, 0.0038%; no homozygotes.

Submissions (2):

Ambry Genetics
Classification: Uncertain significance. Last evaluated: 2022-10-25. Review status: criteria provided, single submitter. Criteria: Ambry Variant Classification Scheme 2023. Collection method: clinical testing. Allele origin: germline.

Labcorp Genetics (formerly Invitae), Labcorp
Classification: Uncertain significance. Last evaluated: 2022-06-23. Review status: criteria provided, single submitter. Criteria: Invitae Variant Classification Sherloc (09022015). Collection method: clinical testing. Allele origin: germline.
Comment: This variant has not been reported in the literature in individuals affected with TNS2-related conditions. Algorithms developed to predict the effect of missense changes on protein structure and function are either unavailable or do not agree on the potential impact of this missense change (SIFT: "Deleterious"; PolyPhen-2: "Possibly Damaging"; Align-GVGD: "Class C0"). In summary, the available evidence is currently insufficient to determine the role of this variant in disease. Therefore, it has been classified as a Variant of Uncertain Significance. The frequency data for this variant in the population databases is considered unreliable, as metrics indicate poor data quality at this position in the gnomAD database. This sequence change replaces arginine, which is basic and polar, with tryptophan, which is neutral and slightly polar, at codon 485 of the TNS2 protein (p.Arg485Trp).